The following is an entry in ClinVar:

NM_000218.3(KCNQ1):c.1514+30194A>G

Genes: KCNQ1 (potassium voltage-gated channel subfamily Q member 1; plus strand), KCNQ1OT1 (KCNQ1 opposite strand/antisense transcript 1; minus strand). Cytogenetic location: 11p15.5.
Variant type: single nucleotide variant.
Coding change: c.1514+30194A>G on transcript NM_000218.3 (MANE Select); 30194 bases into the intron after coding-DNA position 1514, A replaced by G.
Molecular consequence: intron variant. On other transcripts: non-coding transcript variant (1).
Genome position (GRCh38, 1-based): chr11:2,692,275, A>G. VCF-style: chr11-2692275-A-G. GRCh37 (hg19) VCF-style: chr11-2713505-A-G.
Other names: c.1244+30194A>G (NM_001406837.1); c.1418+30194A>G (NM_001406836.1); c.974+30194A>G (NM_001406838.1); c.1133+30194A>G (NM_181798.2).
Identifiers: ClinVar variation 2641489 (VCV002641489.24), dbSNP rs912509450, ClinGen allele CA216193499.
Genomic context (GRCh38, chr11:2,692,275, plus strand): 5'-TCCTCACCACCTGCCCATCACCTCAAGCCCATCACCAAGCCAGGCTTACTTCACCCATCC[A>G]TAGTTCTAGAGGTTCCCTGCTTCCCTCCATCCCTATTGCCACTGTCCTGATAGGCCACCA-3'

ClinVar aggregate classification (germline): Likely benign (1 of 4 stars; one submission).

Allele frequency attached by ClinVar (database versions not stated): gnomAD 0.00002; TOPMed 0.00006; gnomAD exomes 0.00008.
gnomAD v4.1: 22 of 398,760 alleles (0.0055%); highest among the groups gnomAD compares: Non-Finnish European, 0.0084%; no homozygotes.

Submission:

CeGaT Center for Human Genetics Tuebingen
Classification: Likely benign. Last evaluated: 2026-06-01. Review status: criteria provided, single submitter. Criteria: CeGaT Center For Human Genetics Tuebingen Variant Classification Criteria Version 2. Collection method: clinical testing. Allele origin: germline. Affected: yes. Observed: 2 variant alleles.
Comment: KCNQ1OT1: BS2